The following is an entry in ClinVar:

ClinVar aggregate classification (germline): Uncertain significance (1 of 4 stars; one submission).

Submission:

Labcorp Genetics (formerly Invitae), Labcorp
Classification: Uncertain significance. Last evaluated: 2022-08-23. Review status: criteria provided, single submitter. Criteria: Invitae Variant Classification Sherloc (09022015). Collection method: clinical testing. Allele origin: germline.
Comment: Advanced modeling of protein sequence and biophysical properties (such as structural, functional, and spatial information, amino acid conservation, physicochemical variation, residue mobility, and thermodynamic stability) performed at Invitae indicates that this missense variant is not expected to disrupt COL9A1 protein function. In summary, the available evidence is currently insufficient to determine the role of this variant in disease. Therefore, it has been classified as a Variant of Uncertain Significance. This variant has not been reported in the literature in individuals affected with COL9A1-related conditions. This sequence change replaces glutamine, which is neutral and polar, with leucine, which is neutral and non-polar, at codon 468 of the COL9A1 protein (p.Gln468Leu). This variant is not present in population databases (gnomAD no frequency).

NM_001851.6(COL9A1):c.1403A>T (p.Gln468Leu)

Gene: COL9A1 (collagen type IX alpha 1 chain; minus strand). Cytogenetic location: 6q13.
Variant type: single nucleotide variant.
Coding change: c.1403A>T on transcript NM_001851.6 (MANE Select); coding-DNA position 1403, A replaced by T.
Protein change: p.Gln468Leu; replaces glutamine 468 with leucine.
Molecular consequence: missense variant. On other transcripts: non-coding transcript variant (1).
Genome position (GRCh38, 1-based): chr6:70,260,703, T>A on the plus strand (A>T on the coding strand, the complement: COL9A1 is on the minus strand). VCF-style: chr6-70260703-T-A. GRCh37 (hg19) VCF-style: chr6-70970406-T-A.
Other names: c.674A>T, p.Gln225Leu (NM_001377289.1, NM_001377290.1, NM_078485.4); short protein forms Q225L, Q468L.
Identifiers: ClinVar variation 2132391 (VCV002132391.4), dbSNP rs2483346195, ClinGen allele CA364678976.
Genomic context (GRCh38, chr6:70,260,703, plus strand): 5'-CATCACCATCTTACTTTTTCCCCTTTGTCCCCAACTATGCCGGTGATGCCTCGCAAACCC[T>A]GGGCTCCCTGGAAATGTGAAAAAGAGAAGTGAATTATTTTAGTTGAAGCAAAGATTTTTA-3'
Protein context (NP_001842.3, residues 458-478): EVGAQGPPGA[Gln468Leu]GLRGITGIVG